The following is an entry in ClinVar:

NM_001083619.3(GRIA2):c.804G>A (p.Ser268=)

Gene: GRIA2 (glutamate ionotropic receptor AMPA type subunit 2; plus strand). Cytogenetic location: 4q32.1.
Variant type: single nucleotide variant.
Coding change: c.804G>A on transcript NM_001083619.3 (MANE Select); coding-DNA position 804, G replaced by A.
Protein change: p.Ser268=; no amino-acid change (serine 268 retained).
Molecular consequence: synonymous variant.
Genome position (GRCh38, 1-based): chr4:157,321,521, G>A. VCF-style: chr4-157321521-G-A. GRCh37 (hg19) VCF-style: chr4-158242673-G-A.
Other names: c.804G>A, p.Ser268= (NM_000826.6); c.663G>A, p.Ser221= (NM_001083620.3, NM_001379000.3, NM_001379001.3).
Identifiers: ClinVar variation 744017 (VCV000744017.27), dbSNP rs199736067, ClinGen allele CA3120254.

ClinVar aggregate classification (germline): Likely benign. Review status: criteria provided, multiple submitters, no conflicts (2 of 4 stars). 2 submissions from 2 submitters: Likely benign (2). Last evaluated 2026-08-01.

Allele frequency attached by ClinVar (database versions not stated): gnomAD exomes 0.00012; ExAC 0.00014; ESP Exome Variant Server 0.00015; gnomAD 0.00016 and 0.00017; TOPMed 0.00016.
gnomAD v4.1: 324 of 1,605,936 alleles (0.02%); highest among the groups gnomAD compares: Non-Finnish European, 0.025%; no homozygotes.

Submissions (2):

CeGaT Center for Human Genetics Tuebingen
Classification: Likely benign. Last evaluated: 2026-08-01. Review status: criteria provided, single submitter. Criteria: CeGaT Center For Human Genetics Tuebingen Variant Classification Criteria Version 2. Collection method: clinical testing. Allele origin: germline. Affected: yes. Observed: 3 variant alleles.
Comment: GRIA2: BP4, BP7

Labcorp Genetics (formerly Invitae), Labcorp
Classification: Likely benign. Last evaluated: 2018-08-08. Review status: criteria provided, single submitter. Criteria: Invitae Variant Classification Sherloc (09022015). Collection method: clinical testing. Allele origin: germline.